The following is an entry in ClinVar:

NM_024426.6(WT1):c.936T>A (p.Asn312Lys)

Gene: WT1 (WT1 transcription factor; minus strand). Cytogenetic location: 11p13.
Variant type: single nucleotide variant.
Coding change: c.936T>A on transcript NM_024426.6 (MANE Select); coding-DNA position 936, T replaced by A.
Protein change: p.Asn312Lys; replaces asparagine 312 with lysine.
Molecular consequence: missense variant. On other transcripts: non-coding transcript variant (2).
Genome position (GRCh38, 1-based): chr11:32,417,606, A>T on the plus strand (T>A on the coding strand, the complement: WT1 is on the minus strand). VCF-style: chr11-32417606-A-T. GRCh37 (hg19) VCF-style: chr11-32439152-A-T.
Other names: c.936T>A, p.Asn312Lys (NM_001407044.1, NM_001407045.1, NM_001407046.1 and 4 more transcripts); c.813T>A, p.Asn271Lys (NM_001407047.1, NM_001407050.1); c.174T>A, p.Asn58Lys (NM_001407051.1); c.717T>A, p.Asn239Lys (NM_001429031.1, NM_001429032.1, NM_001429033.1 and 1 more transcripts); c.285T>A, p.Asn95Lys (NM_001198551.2, NM_001198552.2); short protein forms N239K, N95K, N307K, N312K, N271K, N58K.
Identifiers: ClinVar variation 4202237 (VCV004202237.1).

ClinVar aggregate classification (germline): Uncertain significance (1 of 4 stars; one submission).

Conditions:
Inborn genetic diseases. Identifiers: MedGen C0950123, MeSH D030342.

gnomAD v4.1: 1 of 1,614,060 alleles (0.000062%); highest among the groups gnomAD compares: Non-Finnish European, 0.000085%; no homozygotes.

Submission:

Ambry Genetics
Classification: Uncertain significance for Inborn genetic diseases. Last evaluated: 2025-08-11. Review status: criteria provided, single submitter. Criteria: Ambry Variant Classification Scheme 2023. Collection method: clinical testing. Allele origin: germline.
Comment: The p.N307K variant (also known as c.921T>A), located in coding exon 4 of the WT1 gene, results from a T to A substitution at nucleotide position 921. The asparagine at codon 307 is replaced by lysine, an amino acid with similar properties. This amino acid position is conserved. In addition, this alteration is predicted to be tolerated by in silico analysis. Based on the available evidence, the clinical significance of this variant remains unclear.